The following is an entry in ClinVar:

NM_004304.5(ALK):c.1946C>T (p.Ala649Val)

Gene: ALK (ALK receptor tyrosine kinase; minus strand). Cytogenetic location: 2p23.2.
Variant type: single nucleotide variant.
Coding change: c.1946C>T on transcript NM_004304.5 (MANE Select); coding-DNA position 1946, C replaced by T.
Protein change: p.Ala649Val; replaces alanine 649 with valine.
Molecular consequence: missense variant.
Genome position (GRCh38, 1-based): chr2:29,275,194, G>A on the plus strand (C>T on the coding strand, the complement: ALK is on the minus strand). VCF-style: chr2-29275194-G-A. GRCh37 (hg19) VCF-style: chr2-29498060-G-A.
Other names: short protein forms A649V.
Identifiers: ClinVar variation 3223810 (VCV003223810.1), dbSNP rs2148215134, ClinGen allele CA346479761.

ClinVar aggregate classification (germline): Uncertain significance (1 of 4 stars; one submission).

Conditions:
Hereditary cancer-predisposing syndrome. Also called: Tumor predisposition; Hereditary neoplastic syndrome; Hereditary Cancer Syndrome; Neoplastic Syndromes, Hereditary. Identifiers: Orphanet 140162, MedGen C0027672, MeSH D009386, MONDO:0015356.

Submission:

Ambry Genetics
Classification: Uncertain significance for Hereditary cancer-predisposing syndrome. Last evaluated: 2024-01-01. Review status: criteria provided, single submitter. Criteria: Ambry Variant Classification Scheme 2023. Collection method: clinical testing. Allele origin: germline.
Comment: The p.A649V variant (also known as c.1946C>T), located in coding exon 11 of the ALK gene, results from a C to T substitution at nucleotide position 1946. The alanine at codon 649 is replaced by valine, an amino acid with similar properties. This amino acid position is conserved. In addition, this alteration is predicted to be tolerated by in silico analysis. Since supporting evidence is limited at this time, the clinical significance of this alteration remains unclear.